The following is an entry in ClinVar:

ClinVar aggregate classification (germline): Uncertain significance (1 of 4 stars; one submission).

Allele frequency attached by ClinVar (database versions not stated): TOPMed 0.00003; 1000 Genomes Project 30x 0.00016; 1000 Genomes Project 0.00020; ExAC 0.00005; gnomAD 0.00003; gnomAD exomes 0.00004.
gnomAD v4.1: 42 of 1,614,140 alleles (0.0026%); highest among the groups gnomAD compares: Middle Eastern, 0.016%; no homozygotes.

Submission:

GeneDx
Classification: Uncertain significance. Last evaluated: 2020-01-03. Review status: criteria provided, single submitter. Criteria: GeneDx Variant Classification Process June 2021. Collection method: clinical testing. Allele origin: germline. Affected: yes.
Comment: In silico analysis, which includes protein predictors and evolutionary conservation, supports that this variant does not alter protein structure/function; Has not been previously published as pathogenic or benign to our knowledge

NM_001039141.3(TRIOBP):c.1090C>T (p.Pro364Ser)

Gene: TRIOBP (TRIO and F-actin binding protein; plus strand). Cytogenetic location: 22q13.1.
Variant type: single nucleotide variant.
Coding change: c.1090C>T on transcript NM_001039141.3 (MANE Select); coding-DNA position 1090, C replaced by T.
Protein change: p.Pro364Ser; replaces proline 364 with serine.
Molecular consequence: missense variant.
Genome position (GRCh38, 1-based): chr22:37,723,646, C>T. VCF-style: chr22-37723646-C-T. GRCh37 (hg19) VCF-style: chr22-38119653-C-T.
Other names: short protein forms P364S.
Identifiers: ClinVar variation 1215151 (VCV001215151.3), dbSNP rs578179660, ClinGen allele CA10223515.